The following is an entry in ClinVar:

ClinVar aggregate classification (germline): Uncertain significance. Review status: criteria provided, multiple submitters, no conflicts (2 of 4 stars). 6 submissions from 6 submitters: Uncertain significance (6). Last evaluated 2026-02-06.

Conditions:
Norman-Roberts syndrome (LIS2). Also called: Lissencephaly 2 (Norman-Roberts type). Identifiers: Orphanet 89844, MedGen C0796089, MONDO:0009760, OMIM 257320.
Familial temporal lobe epilepsy 7. Identifiers: Orphanet 101046, MedGen C4225327, MONDO:0014639, OMIM 616436.
Epilepsy, familial temporal lobe, 1. Identifiers: Orphanet 101046, MedGen CN030884, MONDO:0700090, OMIM 600512.
Inborn genetic diseases. Identifiers: MedGen C0950123, MeSH D030342.

Allele frequency attached by ClinVar (database versions not stated): gnomAD 0.00004; TOPMed 0.00004; ExAC 0.00007; ESP Exome Variant Server 0.00015.
gnomAD v4.1: 164 of 1,613,266 alleles (0.01%); highest among the groups gnomAD compares: Non-Finnish European, 0.013%; no homozygotes.

Submissions (6):

GeneDx
Classification: Uncertain significance. Last evaluated: 2026-02-06. Review status: criteria provided, single submitter. Criteria: GeneDx Variant Classification Process June 2021. Collection method: clinical testing. Allele origin: germline. Affected: yes.
Comment: Not observed at a significant frequency in large population cohorts (gnomAD); In silico analysis, which includes protein predictors and evolutionary conservation, supports that this variant does not alter protein structure/function; Has not been previously published as pathogenic or benign to our knowledge

Labcorp Genetics (formerly Invitae), Labcorp
Classification: Uncertain significance for Familial temporal lobe epilepsy 7; Norman-Roberts syndrome. Last evaluated: 2026-01-06. Review status: criteria provided, single submitter. Criteria: Invitae Variant Classification Sherloc (09022015). Collection method: clinical testing. Allele origin: germline.
Comment: This sequence change replaces threonine, which is neutral and polar, with isoleucine, which is neutral and non-polar, at codon 2586 of the RELN protein (p.Thr2586Ile). This variant is present in population databases (rs202172902, gnomAD 0.01%). This variant has not been reported in the literature in individuals affected with RELN-related conditions. ClinVar contains an entry for this variant (Variation ID: 547863). Invitae Evidence Modeling of protein sequence and biophysical properties (such as structural, functional, and spatial information, amino acid conservation, physicochemical variation, residue mobility, and thermodynamic stability) indicates that this missense variant is not expected to disrupt RELN protein function with a negative predictive value of 80%. In summary, the available evidence is currently insufficient to determine the role of this variant in disease. Therefore, it has been classified as a Variant of Uncertain Significance.

Ambry Genetics
Classification: Uncertain significance for Inborn genetic diseases. Last evaluated: 2025-10-08. Review status: criteria provided, single submitter. Criteria: Ambry Variant Classification Scheme 2023. Collection method: clinical testing. Allele origin: germline.

Fulgent Genetics
Classification: Uncertain significance for Norman-Roberts syndrome; Epilepsy, familial temporal lobe, 1; Familial temporal lobe epilepsy 7. Last evaluated: 2022-02-08. Review status: criteria provided, single submitter. Criteria: ACMG Guidelines, 2015. Collection method: clinical testing. Allele origin: unknown.

Illumina Laboratory Services, Illumina
Classification: Uncertain significance for Norman-Roberts syndrome. Last evaluated: 2018-01-13. Review status: criteria provided, single submitter. Criteria: ICSL Variant Classification Criteria 13 December 2019. Collection method: clinical testing. Allele origin: germline.

Mayo Clinic Laboratories, Mayo Clinic
Classification: Uncertain significance for Familial temporal lobe epilepsy 7. Last evaluated: 2016-08-21. Review status: criteria provided, single submitter. Criteria: ACMG Guidelines, 2015. Collection method: clinical testing. Allele origin: maternal.

NM_005045.4(RELN):c.7757C>T (p.Thr2586Ile)

Gene: RELN (reelin; minus strand). Cytogenetic location: 7q22.1.
Variant type: single nucleotide variant.
Coding change: c.7757C>T on transcript NM_005045.4 (MANE Select); coding-DNA position 7757, C replaced by T.
Protein change: p.Thr2586Ile; replaces threonine 2586 with isoleucine.
Molecular consequence: missense variant.
Genome position (GRCh38, 1-based): chr7:103,519,428, G>A on the plus strand (C>T on the coding strand, the complement: RELN is on the minus strand). VCF-style: chr7-103519428-G-A. GRCh37 (hg19) VCF-style: chr7-103159875-G-A.
Other names: c.7757C>T, p.Thr2586Ile (NM_173054.3); short protein forms T2586I.
Identifiers: ClinVar variation 547863 (VCV000547863.17), dbSNP rs202172902, ClinGen allele CA4420664.
Genomic context (GRCh38, chr7:103,519,428, plus strand): 5'-CAGGTAATGCCTCCATTGACAGAATATTCCAAGAGAACACCTTGGTTACGGTTGTTTGGT[G>A]TAATCAGGCACCCATACATGAAGTAAAATTGGATGAACTCAGCATTAGTGAGGTTTAGAT-3'
Protein context (NP_005036.2, residues 2576-2596): QFYFMYGCLI[Thr2586Ile]PNNRNQGVLL